The following is an entry in ClinVar:

ClinVar aggregate classification (germline): Uncertain significance (1 of 4 stars; one submission).

gnomAD v4.1: 1 of 1,613,856 alleles (0.000062%); no homozygotes.

Submission:

Ambry Genetics
Classification: Uncertain significance. Last evaluated: 2026-04-20. Review status: criteria provided, single submitter. Criteria: Ambry Variant Classification Scheme 2023. Collection method: clinical testing. Allele origin: germline.
Comment: The p.P550R variant (also known as c.1649C>G), located in coding exon 2 of the CDK12 gene, results from a C to G substitution at nucleotide position 1649. The proline at codon 550 is replaced by arginine, an amino acid with dissimilar properties. This amino acid position is conserved. In addition, the in silico prediction for this alteration is inconclusive. Based on the available evidence, the clinical significance of this variant remains unclear.

NM_016507.4(CDK12):c.1649C>G (p.Pro550Arg)

Gene: CDK12 (cyclin dependent kinase 12; plus strand). Cytogenetic location: 17q12.
Variant type: single nucleotide variant.
Coding change: c.1649C>G on transcript NM_016507.4 (MANE Select); coding-DNA position 1649, C replaced by G.
Protein change: p.Pro550Arg; replaces proline 550 with arginine.
Molecular consequence: missense variant.
Genome position (GRCh38, 1-based): chr17:39,471,481, C>G. VCF-style: chr17-39471481-C-G. GRCh37 (hg19) VCF-style: chr17-37627734-C-G.
Other names: c.1649C>G, p.Pro550Arg (NM_015083.4); short protein forms P550R.
Identifiers: ClinVar variation 4868495 (VCV004868495.1).